The following is an entry in ClinVar:

NM_002439.5(MSH3):c.1720C>T (p.Arg574Trp)

Gene: MSH3 (mutS homolog 3; plus strand). Cytogenetic location: 5q14.1.
Variant type: single nucleotide variant.
Coding change: c.1720C>T on transcript NM_002439.5 (MANE Select); coding-DNA position 1720, C replaced by T.
Protein change: p.Arg574Trp; replaces arginine 574 with tryptophan.
Molecular consequence: missense variant.
Genome position (GRCh38, 1-based): chr5:80,744,572, C>T. VCF-style: chr5-80744572-C-T. GRCh37 (hg19) VCF-style: chr5-80040391-C-T.
Other names: short protein forms R574W.
Identifiers: ClinVar variation 646569 (VCV000646569.20), dbSNP rs771054581, ClinGen allele CA3328012.
Genomic context (GRCh38, chr5:80,744,572, plus strand): 5'-ATGAAAACCAAAGGAAGTTTGCTGTGGGTTTTAGACCACACTAAAACTTCATTTGGGAGA[C>T]GGAAGTTAAAGAAGTGGGTGACCCAGCCACTCCTTAAATTAAGGTAAAAGGAATTCTTTT-3'
Protein context (NP_002430.3, residues 564-584): LDHTKTSFGR[Arg574Trp]KLKKWVTQPL

ClinVar aggregate classification (germline): Uncertain significance. Review status: criteria provided, multiple submitters, no conflicts (2 of 4 stars). 8 submissions from 8 submitters: Uncertain significance (8). Last evaluated 2026-01-19.

Conditions:
Endometrial carcinoma. Also called: Endometrial carcinoma, somatic. Identifiers: MedGen C0476089, MONDO:0002447, OMIM 608089, HP:0012114.
Familial adenomatous polyposis 4 (FAP4). Also called: MSH3-related attenuated familial adenomatous polyposis. Identifiers: Orphanet 480536, MedGen C4310719, MONDO:0044300, OMIM 617100.
MSH3-related disorder. Also called: MSH3-related condition.
Hereditary cancer-predisposing syndrome. Also called: Neoplastic Syndromes, Hereditary; Tumor predisposition; Hereditary neoplastic syndrome; Hereditary Cancer Syndrome. Identifiers: Orphanet 140162, MedGen C0027672, MeSH D009386, MONDO:0015356.

Allele frequency attached by ClinVar (database versions not stated): gnomAD exomes 0.00002 and 0.00004; gnomAD 0.00003 and 0.00004; TOPMed 0.00004; ExAC 0.00006.
gnomAD v4.1: 33 of 1,613,486 alleles (0.002%); highest among the groups gnomAD compares: East Asian, 0.016%; no homozygotes.

Submissions (8):

Labcorp Genetics (formerly Invitae), Labcorp
Classification: Uncertain significance. Last evaluated: 2026-01-19. Review status: criteria provided, single submitter. Criteria: Invitae Variant Classification Sherloc (09022015). Collection method: clinical testing. Allele origin: germline.
Comment: This sequence change replaces arginine, which is basic and polar, with tryptophan, which is neutral and slightly polar, at codon 574 of the MSH3 protein (p.Arg574Trp). This variant is present in population databases (rs771054581, gnomAD 0.03%). This variant has not been reported in the literature in individuals affected with MSH3-related conditions. ClinVar contains an entry for this variant (Variation ID: 646569). An algorithm developed to predict the effect of missense changes on protein structure and function (PolyPhen-2) suggests that this variant is likely to be disruptive. In summary, the available evidence is currently insufficient to determine the role of this variant in disease. Therefore, it has been classified as a Variant of Uncertain Significance.

PreventionGenetics, part of Exact Sciences
Classification: Uncertain significance for MSH3-related condition. Last evaluated: 2025-06-17. Review status: criteria provided, single submitter. Criteria: ACMG Guidelines, 2015. Collection method: clinical testing. Allele origin: germline.
Comment: The MSH3 c.1720C>T variant is predicted to result in the amino acid substitution p.Arg574Trp. To our knowledge, this variant has not been reported in the literature. This variant is reported in 0.035% of alleles in individuals of East Asian descent in gnomAD. This variant has an interpretation of uncertain significance in ClinVar. At this time, the clinical significance of this variant is uncertain due to the absence of conclusive functional and genetic evidence.

Blueprint Genetics
Classification: Uncertain significance. Last evaluated: 2024-11-20. Review status: criteria provided, single submitter. Criteria: ACMG Guidelines, 2015. Collection method: clinical testing. Allele origin: germline.

Baylor Genetics
Classification: Uncertain significance for Endometrial carcinoma. Last evaluated: 2024-02-26. Review status: criteria provided, single submitter. Criteria: ACMG Guidelines, 2015. Collection method: clinical testing. Allele origin: unknown.

Ambry Genetics
Classification: Uncertain significance for Hereditary cancer-predisposing syndrome. Last evaluated: 2023-12-13. Review status: criteria provided, single submitter. Criteria: Ambry Variant Classification Scheme 2023. Collection method: clinical testing. Allele origin: germline.
Comment: The p.R574W variant (also known as c.1720C>T), located in coding exon 12 of the MSH3 gene, results from a C to T substitution at nucleotide position 1720. The arginine at codon 574 is replaced by tryptophan, an amino acid with dissimilar properties. This amino acid position is highly conserved in available vertebrate species. In addition, this alteration is predicted to be deleterious by in silico analysis. Since supporting evidence is limited at this time, the clinical significance of this alteration remains unclear.

GeneDx
Classification: Uncertain significance. Last evaluated: 2023-03-17. Review status: criteria provided, single submitter. Criteria: GeneDx Variant Classification Process June 2021. Collection method: clinical testing. Allele origin: germline.
Comment: In silico analysis supports that this missense variant has a deleterious effect on protein structure/function; Has not been previously published as pathogenic or benign to our knowledge

Sema4
Classification: Uncertain significance for Hereditary cancer-predisposing syndrome. Last evaluated: 2022-02-14. Review status: criteria provided, single submitter. Criteria: Sema4 Curation Guidelines. Collection method: curation. Allele origin: germline.
Comment: The MSH3 c.1720C>T (p.R574W) variant has not been reported in the literature to our knowledge. It was observed in 7/19878 chromosomes of the East Asian subpopulation, in the large and broad cohorts of the Genome Aggregation Database (PMID: 32461654). This variant has been reported in ClinVar (Variation ID 646569). In silico tools suggest the impact of the variant on protein function is deleterious, though these predictions have not been confirmed by functional studies. The evidence is insufficient to meet ACMG/AMP criteria for classifying the variant as benign or pathogenic. Thus, the clinical significance of this variant is currently uncertain.

Department of Pathology and Laboratory Medicine, Sinai Health System
Classification: Uncertain significance for Endometrial carcinoma; Familial adenomatous polyposis 4. Last evaluated: 2021-05-13. Review status: criteria provided, single submitter. Criteria: ACMG Guidelines, 2015. Collection method: clinical testing. Allele origin: germline. Affected: yes.